The following is an entry in ClinVar:

ClinVar aggregate classification (germline): Pathogenic/Likely pathogenic. Review status: criteria provided, multiple submitters, no conflicts (2 of 4 stars). 2 submissions from 2 submitters: Pathogenic (1); Likely pathogenic (1). Last evaluated 2025-12-01.

Conditions:
DICER1-related tumor predisposition. Also called: DICER1 syndrome; DICER1-related pleuropulmonary blastoma cancer predisposition syndrome. Identifiers: Orphanet 284343, MedGen C3839822, MONDO:0100216.

Submissions (2):

Unidad de Genómica Garrahan, Hospital de Pediatría Garrahan
Classification: Likely pathogenic for DICER1-related tumor predisposition. Last evaluated: 2025-12-01. Review status: criteria provided, single submitter. Criteria: Hatton et al. (Hum Mutat. 2023). Collection method: clinical testing. Allele origin: germline. Affected: yes.
Comment: Frameshift variant predicted to result in protein truncation in a gene for which loss-of-function is a known mechanism of disease (PVS1_very strong). Based on the available evidence and following the ClinGen DICER1 and miRNA-Processing Gene Expert Panel Specifications to the ACMG/AMP Variant Interpretation Guidelines for DICER1 (PMID: 38084291) this alteration is classified as likely pathogenic.

Labcorp Genetics (formerly Invitae), Labcorp
Classification: Pathogenic for DICER1-related tumor predisposition. Last evaluated: 2020-12-02. Review status: criteria provided, single submitter. Criteria: Invitae Variant Classification Sherloc (09022015). Collection method: clinical testing. Allele origin: germline.
Comment: This sequence change creates a premature translational stop signal (p.Ile900Asnfs*2) in the DICER1 gene. It is expected to result in an absent or disrupted protein product. Loss-of-function variants in DICER1 are known to be pathogenic (PMID: 19556464, 21266384). This variant is not present in population databases (ExAC no frequency). This variant has not been reported in the literature in individuals with DICER1-related conditions. For these reasons, this variant has been classified as Pathogenic.

Literature cited by the submitters: PubMed 19556464 (cited by Labcorp Genetics (formerly Invitae), Labcorp); PubMed 21266384 (cited by Labcorp Genetics (formerly Invitae), Labcorp).

NM_177438.3(DICER1):c.2698dup (p.Ile900fs)

Gene: DICER1 (dicer 1, ribonuclease III; minus strand). Cytogenetic location: 14q32.13.
Variant type: Duplication.
Coding change: c.2698dup on transcript NM_177438.3 (MANE Select); coding-DNA position 2698, one base duplicated (A; older notation c.2698dupA).
Protein change: p.Ile900fs; shifts the reading frame from isoleucine 900.
Molecular consequence: frameshift variant.
Genome position (GRCh38, 1-based): chr14:95,107,714, T duplicated on the plus strand (A on the coding strand, the reverse complement: DICER1 is on the minus strand). VCF-style (leftmost placement, unchanged base first): chr14-95107713-A-AT. GRCh37 (hg19) VCF-style: chr14-95574050-A-AT.
Other names: p.(Ile900Asnfs*2); c.2698dup, p.Ile900fs (NM_001195573.1, NM_001271282.3, NM_001291628.2 and 1 more transcripts); short protein forms I900fs.
Identifiers: ClinVar variation 1447335 (VCV001447335.8), dbSNP rs2140020024, ClinGen allele CA2573150468.
Genomic context (GRCh38, chr14:95,107,713, plus strand): 5'-AAGGGTGTTTCTTTTGTATACTTTGTACTGGGAATGCCTATGCGAGCTTCAGACTTCTCA[A>AT]TATCTTCCATGAATTTAAAGTCAATATCCAAAGTGCTGGAGTCATTAACTTAGAAGAGAA-3'